The following is an entry in ClinVar:

ClinVar aggregate classification (germline): Uncertain significance (1 of 4 stars; one submission).

Allele frequency attached by ClinVar (database versions not stated): gnomAD exomes below 0.00001.
gnomAD v4.1: 2 of 1,614,156 alleles (0.00012%); highest among the groups gnomAD compares: Admixed American, 0.0017%; no homozygotes.

Submission:

Ambry Genetics
Classification: Uncertain significance. Last evaluated: 2024-06-25. Review status: criteria provided, single submitter. Criteria: Ambry Variant Classification Scheme 2023. Collection method: clinical testing. Allele origin: germline.
Comment: The p.P775L variant (also known as c.2324C>T), located in coding exon 22 of the KIF1B gene, results from a C to T substitution at nucleotide position 2324. The proline at codon 775 is replaced by leucine, an amino acid with similar properties. This amino acid position is conserved. In addition, the in silico prediction for this alteration is inconclusive. Since supporting evidence is limited at this time, the clinical significance of this alteration remains unclear.

NM_001365951.3(KIF1B):c.2462C>T (p.Pro821Leu)

Gene: KIF1B (kinesin family member 1B; plus strand). Cytogenetic location: 1p36.22.
Variant type: single nucleotide variant.
Coding change: c.2462C>T on transcript NM_001365951.3 (MANE Select); coding-DNA position 2462, C replaced by T.
Protein change: p.Pro821Leu; replaces proline 821 with leucine.
Molecular consequence: missense variant.
Genome position (GRCh38, 1-based): chr1:10,323,987, C>T. VCF-style: chr1-10323987-C-T. GRCh37 (hg19) VCF-style: chr1-10384045-C-T.
Other names: c.2462C>T, p.Pro821Leu (NM_001365952.1); c.2324C>T, p.Pro775Leu (NM_015074.3); short protein forms P821L, P775L.
Identifiers: ClinVar variation 1789623 (VCV001789623.3), dbSNP rs1041315710, ClinGen allele CA17835942.